The following is an entry in ClinVar:

NM_001386140.1(MTTP):c.799T>C (p.Leu267=)

Gene: MTTP (microsomal triglyceride transfer protein; plus strand). Cytogenetic location: 4q23.
Variant type: single nucleotide variant.
Coding change: c.799T>C on transcript NM_001386140.1 (MANE Select); coding-DNA position 799, T replaced by C.
Protein change: p.Leu267=; no amino-acid change (leucine 267 retained).
Molecular consequence: synonymous variant.
Genome position (GRCh38, 1-based): chr4:99,594,773, T>C. VCF-style: chr4-99594773-T-C. GRCh37 (hg19) VCF-style: chr4-100515930-T-C.
Other names: p.Leu267=; c.799T>C, p.Leu267= (NM_000253.4); c.550T>C, p.Leu184= (NM_001300785.2).
Identifiers: ClinVar variation 347028 (VCV000347028.16), dbSNP rs7672497, ClinGen allele CA3021953.

ClinVar aggregate classification (germline): Conflicting classifications of pathogenicity. Review status: criteria provided, conflicting classifications (1 of 4 stars). 4 submissions from 4 submitters: Uncertain significance (1); Likely benign (3). Last evaluated 2026-01-20.

Conditions:
Abetalipoproteinaemia (ABL). Also called: MTP DEFICIENCY; Abetalipoproteinemia; Abetalipoproteinemia neuropathy; Apolipoprotein B deficiency; Congenital betalipoprotein deficiency syndrome. Identifiers: Orphanet 14, MedGen C0000744, MONDO:0008692, OMIM 200100, HP:0008181.

Allele frequency attached by ClinVar (database versions not stated): 1000 Genomes Project 0.00020; TOPMed 0.00026; ESP Exome Variant Server 0.00038; gnomAD exomes 0.00014 and 0.00018; 1000 Genomes Project 30x 0.00016; gnomAD 0.00018 and 0.00019; ExAC 0.00019.
gnomAD v4.1: 285 of 1,614,066 alleles (0.018%); highest among the groups gnomAD compares: Non-Finnish European, 0.021%; 1 homozygote.

Submissions (4):

Labcorp Genetics (formerly Invitae), Labcorp
Classification: Likely benign. Last evaluated: 2026-01-20. Review status: criteria provided, single submitter. Criteria: Invitae Variant Classification Sherloc (09022015). Collection method: clinical testing. Allele origin: germline.

Mayo Clinic Laboratories, Mayo Clinic
Classification: Likely benign. Last evaluated: 2025-10-02. Review status: criteria provided, single submitter. Criteria: ACMG Guidelines, 2015. Collection method: clinical testing. Allele origin: germline. Observed: 3 variant alleles.
Comment: BP4, BP7

Blueprint Genetics
Classification: Likely benign. Last evaluated: 2024-11-25. Review status: criteria provided, single submitter. Criteria: ACMG Guidelines, 2015. Collection method: clinical testing. Allele origin: germline.

Illumina Laboratory Services, Illumina
Classification: Uncertain significance for Abetalipoproteinaemia. Last evaluated: 2018-01-13. Review status: criteria provided, single submitter. Criteria: ICSL Variant Classification Criteria 13 December 2019. Collection method: clinical testing. Allele origin: germline.